The following is an entry in ClinVar:

NM_032447.5(FBN3):c.3975_3976delinsAA (p.Cys1325_Val1326delinsTer)

Gene: FBN3 (fibrillin 3; minus strand). Cytogenetic location: 19p13.2.
Variant type: Indel.
Coding change: c.3975_3976delinsAA on transcript NM_032447.5 (MANE Select); coding-DNA positions 3975 to 3976, CG replaced by AA.
Protein change: p.Cys1325_Val1326delinsTer.
Molecular consequence: nonsense.
Genome position (GRCh38, 1-based): chr19:8,111,756-8,111,757, CG replaced by TT on the plus strand (CG replaced by AA on the coding strand, the reverse complement: FBN3 is on the minus strand). VCF-style: chr19-8111756-CG-TT. GRCh37 (hg19) VCF-style: chr19-8176640-CG-TT.
Other names: c.3975_3976delinsAA, p.Cys1325_Val1326delinsTer (NM_001321431.2).
Identifiers: ClinVar variation 2089599 (VCV002089599.4), dbSNP rs2512794982, ClinGen allele CA2580097129.

ClinVar aggregate classification (germline): Uncertain significance (1 of 4 stars; one submission).

Submission:

Labcorp Genetics (formerly Invitae), Labcorp
Classification: Uncertain significance. Last evaluated: 2022-01-26. Review status: criteria provided, single submitter. Criteria: Invitae Variant Classification Sherloc (09022015). Collection method: clinical testing. Allele origin: germline.
Comment: In summary, the available evidence is currently insufficient to determine the role of this variant in disease. Therefore, it has been classified as a Variant of Uncertain Significance. Experimental studies and prediction algorithms are not available or were not evaluated, and the functional significance of this variant is currently unknown. This variant has not been reported in the literature in individuals affected with FBN3-related conditions. Information on the frequency of this variant in the gnomAD database is not available, as this variant may be reported differently in the database. This sequence change creates a premature translational stop signal (p.Cys1325*) in the FBN3 gene. It is expected to result in an absent or disrupted protein product. However, the current clinical and genetic evidence is not sufficient to establish whether loss-of-function variants in FBN3 cause disease.